The following is an entry in ClinVar:

NM_152703.5(SAMD9L):c.4394G>T (p.Arg1465Leu)

Gene: SAMD9L (sterile alpha motif domain containing 9 like; minus strand). Cytogenetic location: 7q21.2.
Variant type: single nucleotide variant.
Coding change: c.4394G>T on transcript NM_152703.5 (MANE Select); coding-DNA position 4394, G replaced by T.
Protein change: p.Arg1465Leu; replaces arginine 1465 with leucine.
Molecular consequence: missense variant.
Genome position (GRCh38, 1-based): chr7:93,131,578, C>A on the plus strand (G>T on the coding strand, the complement: SAMD9L is on the minus strand). VCF-style: chr7-93131578-C-A. GRCh37 (hg19) VCF-style: chr7-92760891-C-A.
Other names: c.4394G>T (NM_152703.2); c.4394G>T, p.Arg1465Leu (NM_001303496.3, NM_001303497.3, NM_001303498.3 and 5 more transcripts); short protein forms R1465L.
Identifiers: ClinVar variation 3660519 (VCV003660519.3).
Genomic context (GRCh38, chr7:93,131,578, plus strand): 5'-TTTAGACCCTTCCTTTTGCCCAGATAGAAAAGTGTGCTTGCCTGCTTGGACCTGCACATG[C>A]GCTTGTACTGTCCCCTGAAGGATCTATTTAAGGATGAAACATACTTTTCTATTAGTTTGG-3'
Protein context (NP_689916.2, residues 1455-1475): LNRSFRGQYK[Arg1465Leu]MCRSKQASTL

ClinVar aggregate classification (germline): Uncertain significance. Review status: criteria provided, multiple submitters, no conflicts (2 of 4 stars). 2 submissions from 2 submitters: Uncertain significance (2). Last evaluated 2025-03-07.

Conditions:
Inborn genetic diseases. Identifiers: MedGen C0950123, MeSH D030342.

Submissions (2):

Ambry Genetics
Classification: Uncertain significance for Inborn genetic diseases. Last evaluated: 2025-03-07. Review status: criteria provided, single submitter. Criteria: Ambry Variant Classification Scheme 2023. Collection method: clinical testing. Allele origin: germline.
Comment: The p.R1465L variant (also known as c.4394G>T), located in coding exon 1 of the SAMD9L gene, results from a G to T substitution at nucleotide position 4394. The arginine at codon 1465 is replaced by leucine, an amino acid with dissimilar properties. This amino acid position is conserved. In addition, this alteration is predicted to be tolerated by in silico analysis. Based on the available evidence, the clinical significance of this variant remains unclear.

Labcorp Genetics (formerly Invitae), Labcorp
Classification: Uncertain significance. Last evaluated: 2024-07-24. Review status: criteria provided, single submitter. Criteria: Invitae Variant Classification Sherloc (09022015). Collection method: clinical testing. Allele origin: germline.
Comment: This sequence change replaces arginine, which is basic and polar, with leucine, which is neutral and non-polar, at codon 1465 of the SAMD9L protein (p.Arg1465Leu). This variant is not present in population databases (gnomAD no frequency). This variant has not been reported in the literature in individuals affected with SAMD9L-related conditions. Advanced modeling of protein sequence and biophysical properties (such as structural, functional, and spatial information, amino acid conservation, physicochemical variation, residue mobility, and thermodynamic stability) performed at Invitae indicates that this missense variant is not expected to disrupt SAMD9L protein function with a negative predictive value of 80%. In summary, the available evidence is currently insufficient to determine the role of this variant in disease. Therefore, it has been classified as a Variant of Uncertain Significance.